The following is an entry in ClinVar:

NM_004171.4(SLC1A2):c.1526G>A (p.Arg509Gln)

Gene: SLC1A2 (solute carrier family 1 member 2; minus strand). Cytogenetic location: 11p13.
Variant type: single nucleotide variant.
Coding change: c.1526G>A on transcript NM_004171.4 (MANE Select); coding-DNA position 1526, G replaced by A.
Protein change: p.Arg509Gln; replaces arginine 509 with glutamine.
Molecular consequence: missense variant.
Genome position (GRCh38, 1-based): chr11:35,265,654, C>T on the plus strand (G>A on the coding strand, the complement: SLC1A2 is on the minus strand). VCF-style: chr11-35265654-C-T. GRCh37 (hg19) VCF-style: chr11-35287201-C-T.
Other names: c.1499G>A, p.Arg500Gln (NM_001195728.3, NM_001252652.2); short protein forms R500Q, R509Q.
Identifiers: ClinVar variation 2041312 (VCV002041312.3), dbSNP rs759379745, ClinGen allele CA5947063.

ClinVar aggregate classification (germline): Uncertain significance (1 of 4 stars; one submission).

Allele frequency attached by ClinVar (database versions not stated): gnomAD exomes 0.00001; ExAC 0.00002.
gnomAD v4.1: 12 of 1,613,168 alleles (0.00074%); highest among the groups gnomAD compares: South Asian, 0.0099%; no homozygotes.

Submission:

Labcorp Genetics (formerly Invitae), Labcorp
Classification: Uncertain significance. Last evaluated: 2024-08-30. Review status: criteria provided, single submitter. Criteria: Invitae Variant Classification Sherloc (09022015). Collection method: clinical testing. Allele origin: germline.
Comment: This sequence change replaces arginine, which is basic and polar, with glutamine, which is neutral and polar, at codon 509 of the SLC1A2 protein (p.Arg509Gln). This variant is present in population databases (rs759379745, gnomAD 0.02%). This variant has not been reported in the literature in individuals affected with SLC1A2-related conditions. ClinVar contains an entry for this variant (Variation ID: 2041312). Invitae Evidence Modeling of protein sequence and biophysical properties (such as structural, functional, and spatial information, amino acid conservation, physicochemical variation, residue mobility, and thermodynamic stability) indicates that this missense variant is not expected to disrupt SLC1A2 protein function with a negative predictive value of 80%. In summary, the available evidence is currently insufficient to determine the role of this variant in disease. Therefore, it has been classified as a Variant of Uncertain Significance.